The following is an entry in ClinVar:

ClinVar aggregate classification (germline): Likely benign. Review status: criteria provided, multiple submitters, no conflicts (2 of 4 stars). 3 submissions from 3 submitters: Likely benign (2). 1 of the submissions does not count toward it. Last evaluated 2026-01-31.

Conditions:
TMC6-related disorder. Also called: TMC6-related condition.
Epidermodysplasia verruciformis. Identifiers: Orphanet 302, MedGen C0014522, MONDO:0009176.

Allele frequency attached by ClinVar (database versions not stated): gnomAD exomes 0.00005 and 0.00027; gnomAD 0.00011; TOPMed 0.00025; ExAC 0.00032.
gnomAD v4.1: 87 of 1,568,036 alleles (0.0055%); highest among the groups gnomAD compares: Admixed American, 0.13%; no homozygotes.

Submissions (3):

Labcorp Genetics (formerly Invitae), Labcorp
Classification: Likely benign for Epidermodysplasia verruciformis. Last evaluated: 2026-01-31. Review status: criteria provided, single submitter. Criteria: Invitae Variant Classification Sherloc (09022015). Collection method: clinical testing. Allele origin: germline.

Blueprint Genetics
Classification: Likely benign. Last evaluated: 2021-07-05. Review status: criteria provided, single submitter. Criteria: ACMG Guidelines, 2015. Collection method: clinical testing. Allele origin: germline.

PreventionGenetics, part of Exact Sciences
Classification: Likely benign for TMC6-related condition. Last evaluated: 2020-05-15. Review status: no assertion criteria provided. Collection method: clinical testing. Allele origin: germline. Not counted in ClinVar's aggregate classification.
Comment: This variant is classified as likely benign based on ACMG/AMP sequence variant interpretation guidelines (Richards et al. 2015 PMID: 25741868, with internal and published modifications).

NM_001127198.5(TMC6):c.414G>A (p.Thr138=)

Gene: TMC6 (transmembrane channel like 6; minus strand). Cytogenetic location: 17q25.3.
Variant type: single nucleotide variant.
Coding change: c.414G>A on transcript NM_001127198.5 (MANE Select); coding-DNA position 414, G replaced by A.
Protein change: p.Thr138=; no amino-acid change (threonine 138 retained).
Molecular consequence: synonymous variant. On other transcripts: non-coding transcript variant (4).
Genome position (GRCh38, 1-based): chr17:78,125,742, C>T on the plus strand (G>A on the coding strand, the complement: TMC6 is on the minus strand). VCF-style: chr17-78125742-C-T. GRCh37 (hg19) VCF-style: chr17-76121823-C-T.
Other names: c.414G>A, p.Thr138= (NM_001321185.1, NM_001374593.1, NM_001374594.1 and 4 more transcripts).
Identifiers: ClinVar variation 721432 (VCV000721432.11), dbSNP rs778886513, ClinGen allele CA8796138.